The following is an entry in ClinVar:

ClinVar aggregate classification (germline): Uncertain significance (1 of 4 stars; one submission).

Conditions:
Genitopatellar syndrome (GTPTS). Also called: Genitopatellar syndrome (GPS); ABSENT PATELLAE, SCROTAL HYPOPLASIA, RENAL ANOMALIES, FACIAL DYSMORPHISM, AND MENTAL RETARDATION. Identifiers: Orphanet 85201, MedGen C1853566, MONDO:0011640, OMIM 606170.

Submission:

Labcorp Genetics (formerly Invitae), Labcorp
Classification: Uncertain significance for Genitopatellar syndrome. Last evaluated: 2025-03-19. Review status: criteria provided, single submitter. Criteria: Invitae Variant Classification Sherloc (09022015). Collection method: clinical testing. Allele origin: germline.
Comment: This sequence change replaces glycine, which is neutral and non-polar, with glutamic acid, which is acidic and polar, at codon 683 of the KAT6B protein (p.Gly683Glu). This variant is present in population databases (no rsID available, gnomAD 0.003%). This variant has not been reported in the literature in individuals affected with KAT6B-related conditions. ClinVar contains an entry for this variant (Variation ID: 2157418). Invitae Evidence Modeling of protein sequence and biophysical properties (such as structural, functional, and spatial information, amino acid conservation, physicochemical variation, residue mobility, and thermodynamic stability) indicates that this missense variant is not expected to disrupt KAT6B protein function with a negative predictive value of 80%. In summary, the available evidence is currently insufficient to determine the role of this variant in disease. Therefore, it has been classified as a Variant of Uncertain Significance.

NM_012330.4(KAT6B):c.2048G>A (p.Gly683Glu)

Gene: KAT6B (lysine acetyltransferase 6B; plus strand). Cytogenetic location: 10q22.2.
Variant type: single nucleotide variant.
Coding change: c.2048G>A on transcript NM_012330.4 (MANE Select); coding-DNA position 2048, G replaced by A.
Protein change: p.Gly683Glu; replaces glycine 683 with glutamic acid.
Molecular consequence: missense variant. On other transcripts: intron variant (3).
Genome position (GRCh38, 1-based): chr10:74,977,370, G>A. VCF-style: chr10-74977370-G-A. GRCh37 (hg19) VCF-style: chr10-76737128-G-A.
Other names: c.1499G>A, p.Gly500Glu (NM_001256468.2, NM_001370138.1); c.1172G>A, p.Gly391Glu (NM_001256469.2, NM_001370132.1, NM_001370139.1 and 3 more transcripts); c.2048G>A, p.Gly683Glu (NM_001370136.1, NM_001370137.1); c.983G>A, p.Gly328Glu (NM_001370143.1, NM_001370144.1); c.846+7595G>A (NM_001370133.1); c.193-1854G>A (NM_001370134.1); c.193-11649G>A (NM_001370135.1); short protein forms G391E, G683E, G328E, G500E.
Identifiers: ClinVar variation 2157418 (VCV002157418.4), dbSNP rs1484594353, ClinGen allele CA377290287.